The following is an entry in ClinVar:

NM_000093.5(COL5A1):c.511A>G (p.Ser171Gly)

Gene: COL5A1 (collagen type V alpha 1 chain; plus strand). Cytogenetic location: 9q34.3.
Variant type: single nucleotide variant.
Coding change: c.511A>G on transcript NM_000093.5 (MANE Select); coding-DNA position 511, A replaced by G.
Protein change: p.Ser171Gly; replaces serine 171 with glycine.
Molecular consequence: missense variant.
Genome position (GRCh38, 1-based): chr9:134,701,190, A>G. VCF-style: chr9-134701190-A-G. GRCh37 (hg19) VCF-style: chr9-137593036-A-G.
Other names: c.511A>G, p.Ser171Gly (NM_001278074.1); short protein forms S171G.
Identifiers: ClinVar variation 3367682 (VCV003367682.3).

ClinVar aggregate classification (germline): Uncertain significance. Review status: criteria provided, multiple submitters, no conflicts (2 of 4 stars). 2 submissions from 2 submitters: Uncertain significance (2). Last evaluated 2024-06-22.

Conditions:
Ehlers-Danlos syndrome, classic type, 1 (EDSCL1). Also called: EHLERS-DANLOS SYNDROME, GRAVIS TYPE; EHLERS-DANLOS SYNDROME, SEVERE CLASSIC TYPE; Ehlers-Danlos syndrome, type 1; Ehlers-Danlos Syndrome, Classic Type, COL5A1-Related; EDS I. Identifiers: MedGen C0268335, MONDO:0019567, OMIM 130000.

Submissions (2):

Labcorp Genetics (formerly Invitae), Labcorp
Classification: Uncertain significance for Ehlers-Danlos syndrome, classic type, 1. Last evaluated: 2024-06-22. Review status: criteria provided, single submitter. Criteria: Invitae Variant Classification Sherloc (09022015). Collection method: clinical testing. Allele origin: germline.
Comment: This sequence change replaces serine, which is neutral and polar, with glycine, which is neutral and non-polar, at codon 171 of the COL5A1 protein (p.Ser171Gly). This variant is not present in population databases (gnomAD no frequency). This missense change has been observed in individual(s) with Ehlers-Danlos syndrome (Invitae). Advanced modeling of protein sequence and biophysical properties (such as structural, functional, and spatial information, amino acid conservation, physicochemical variation, residue mobility, and thermodynamic stability) performed at Invitae indicates that this missense variant is not expected to disrupt COL5A1 protein function with a negative predictive value of 95%. In summary, the available evidence is currently insufficient to determine the role of this variant in disease. Therefore, it has been classified as a Variant of Uncertain Significance.

GeneDx
Classification: Uncertain significance. Last evaluated: 2024-01-08. Review status: criteria provided, single submitter. Criteria: GeneDx Variant Classification Process June 2021. Collection method: clinical testing. Allele origin: germline. Affected: yes.
Comment: Has not been previously published as pathogenic or benign to our knowledge; Not observed at significant frequency in large population cohorts (gnomAD); In silico analysis supports that this missense variant has a deleterious effect on protein structure/function; Not located in the triple helical region, where the majority of pathogenic missense variants occur (PMID: 22696272; HGMD); This variant is associated with the following publications: (PMID: 22696272)